The following is an entry in ClinVar:

ClinVar aggregate classification (germline): Uncertain significance (1 of 4 stars; one submission).

Submission:

GeneDx
Classification: Uncertain significance. Last evaluated: 2024-09-12. Review status: criteria provided, single submitter. Criteria: GeneDx Variant Classification Process June 2021. Collection method: clinical testing. Allele origin: germline. Affected: yes.
Comment: Not observed at significant frequency in large population cohorts (gnomAD); In silico analysis indicates that this missense variant does not alter protein structure/function; Has not been previously published as pathogenic or benign to our knowledge

NM_014991.6(WDFY3):c.5804C>T (p.Thr1935Ile)

Gene: WDFY3 (WD repeat and FYVE domain containing 3; minus strand). Cytogenetic location: 4q21.23.
Variant type: single nucleotide variant.
Coding change: c.5804C>T on transcript NM_014991.6 (MANE Select); coding-DNA position 5804, C replaced by T.
Protein change: p.Thr1935Ile; replaces threonine 1935 with isoleucine.
Molecular consequence: missense variant.
Genome position (GRCh38, 1-based): chr4:84,751,652, G>A on the plus strand (C>T on the coding strand, the complement: WDFY3 is on the minus strand). VCF-style: chr4-84751652-G-A. GRCh37 (hg19) VCF-style: chr4-85672805-G-A.
Other names: short protein forms T1935I.
Identifiers: ClinVar variation 3769686 (VCV003769686.1).